The following is an entry in ClinVar:

NM_000171.4(GLRA1):c.1325G>A (p.Arg442His)

Gene: GLRA1 (glycine receptor alpha 1; minus strand). Cytogenetic location: 5q33.1.
Variant type: single nucleotide variant.
Coding change: c.1325G>A on transcript NM_000171.4 (MANE Select); coding-DNA position 1325, G replaced by A.
Protein change: p.Arg442His; replaces arginine 442 with histidine.
Molecular consequence: missense variant.
Genome position (GRCh38, 1-based): chr5:151,822,698, C>T on the plus strand (G>A on the coding strand, the complement: GLRA1 is on the minus strand). VCF-style: chr5-151822698-C-T. GRCh37 (hg19) VCF-style: chr5-151202259-C-T.
Other names: c.1349G>A, p.Arg450His (NM_001146040.2); c.1076G>A, p.Arg359His (NM_001292000.2); short protein forms R442H, R450H, R359H.
Identifiers: ClinVar variation 532834 (VCV000532834.15), dbSNP rs200130685, ClinGen allele CA3523459.

ClinVar aggregate classification (germline): Uncertain significance. Review status: criteria provided, multiple submitters, no conflicts (2 of 4 stars). 5 submissions from 5 submitters: Uncertain significance (5). Last evaluated 2025-06-02.

Conditions:
Hereditary hyperekplexia. Identifiers: Orphanet 3197, MedGen C4084968, MONDO:0021022.
Hyperekplexia 1 (STHE). Also called: HYPEREKPLEXIA 1, AUTOSOMAL DOMINANT; HYPEREKPLEXIA 1, AUTOSOMAL RECESSIVE; EXAGGERATED STARTLE REACTION; KOK DISEASE; STARTLE DISEASE, FAMILIAL; STIFF-BABY SYNDROME. Identifiers: Orphanet 3197, MedGen C4551954, MONDO:0007868, OMIM 149400.

Allele frequency attached by ClinVar (database versions not stated): ExAC 0.00006; gnomAD 0.00006 and 0.00007; gnomAD exomes 0.00006; TOPMed 0.00007; ESP Exome Variant Server 0.00015.
gnomAD v4.1: 108 of 1,613,224 alleles (0.0067%); highest among the groups gnomAD compares: Middle Eastern, 0.05%; no homozygotes.

Submissions (5):

Labcorp Genetics (formerly Invitae), Labcorp
Classification: Uncertain significance for Hereditary hyperekplexia. Last evaluated: 2025-06-02. Review status: criteria provided, single submitter. Criteria: Invitae Variant Classification Sherloc (09022015). Collection method: clinical testing. Allele origin: germline.
Comment: This sequence change replaces arginine, which is basic and polar, with histidine, which is basic and polar, at codon 442 of the GLRA1 protein (p.Arg442His). This variant is present in population databases (rs200130685, gnomAD 0.06%). This missense change has been observed in individual(s) with hyperplexia (PMID: 24108130). This variant is also known as Arg414His. ClinVar contains an entry for this variant (Variation ID: 532834). Invitae Evidence Modeling of protein sequence and biophysical properties (such as structural, functional, and spatial information, amino acid conservation, physicochemical variation, residue mobility, and thermodynamic stability) has been performed for this missense variant. However, the output from this modeling did not meet the statistical confidence thresholds required to predict the impact of this variant on GLRA1 protein function. Experimental studies have shown that this missense change does not substantially affect GLRA1 function (PMID: 24108130). In summary, the available evidence is currently insufficient to determine the role of this variant in disease. Therefore, it has been classified as a Variant of Uncertain Significance.

Blueprint Genetics
Classification: Uncertain significance. Last evaluated: 2024-10-07. Review status: criteria provided, single submitter. Criteria: ACMG Guidelines, 2015. Collection method: clinical testing. Allele origin: germline.

GeneDx
Classification: Uncertain significance. Last evaluated: 2023-11-26. Review status: criteria provided, single submitter. Criteria: GeneDx Variant Classification Process June 2021. Collection method: clinical testing. Allele origin: germline.
Comment: Reported in a patient with hyperekplexia; however evidence in support of pathogenicity for this variant was not provided in the report (PMID: 24108130); In silico analysis supports that this missense variant does not alter protein structure/function; This variant is associated with the following publications: (PMID: 34426522, 32319239, 24108130)

New York Genome Center
Classification: Uncertain significance for Hyperekplexia 1. Last evaluated: 2021-10-08. Review status: criteria provided, single submitter. Criteria: NYGC Assertion Criteria 2020. Collection method: clinical testing. Allele origin: inherited. Observed: 1 heterozygote. Study: CSER-NYCKidSeq.

Fulgent Genetics
Classification: Uncertain significance for Hyperekplexia 1. Last evaluated: 2018-10-31. Review status: criteria provided, single submitter. Criteria: ACMG Guidelines, 2015. Collection method: clinical testing. Allele origin: unknown.

Literature cited by the submitters: PubMed 24108130 (cited by Labcorp Genetics (formerly Invitae), Labcorp).